The following is an entry in ClinVar:

ClinVar aggregate classification (germline): Likely pathogenic. Review status: criteria provided, multiple submitters, no conflicts (2 of 4 stars). 2 submissions from 2 submitters: Likely pathogenic (2). Last evaluated 2025-01-09.

Conditions:
LARS2-Related Disorders.
Perrault syndrome 4 (PRLTS4). Identifiers: Orphanet 2855, MedGen C3809105, MONDO:0014126, OMIM 615300.

gnomAD v4.1: 3 of 1,613,938 alleles (0.00019%); highest among the groups gnomAD compares: Non-Finnish European, 0.00025%; no homozygotes.

Submissions (2):

Institute of Rare Diseases, West China Hospital, Sichuan University
Classification: Likely pathogenic for Perrault syndrome 4. Last evaluated: 2025-01-09. Review status: criteria provided, single submitter. Criteria: ClinGen HL ACMG Specifications v1. Collection method: research. Allele origin: germline. Affected: yes.
Comment: PM3_Strong;PM2_Supporting;PP3

Blueprint Genetics
Classification: Likely pathogenic for LARS2-related disorders. Last evaluated: 2024-06-05. Review status: criteria provided, single submitter. Criteria: ACMG Guidelines, 2015. Collection method: clinical testing. Allele origin: germline. Affected: yes. Observed: 4 variant alleles.

NM_015340.4(LARS2):c.1193T>C (p.Ile398Thr)

Genes: LARS2 (leucyl-tRNA synthetase 2, mitochondrial; plus strand), LARS2-AS1 (LARS2 antisense RNA 1; minus strand). Cytogenetic location: 3p21.31.
Variant type: single nucleotide variant.
Coding change: c.1193T>C on transcript NM_015340.4 (MANE Select); coding-DNA position 1193, T replaced by C.
Protein change: p.Ile398Thr; replaces isoleucine 398 with threonine.
Molecular consequence: missense variant.
Genome position (GRCh38, 1-based): chr3:45,488,766, T>C. VCF-style: chr3-45488766-T-C. GRCh37 (hg19) VCF-style: chr3-45530258-T-C.
Other names: c.1193T>C, p.Ile398Thr (NM_001368263.1); short protein forms I398T.
Identifiers: ClinVar variation 3601182 (VCV003601182.2).
Genomic context (GRCh38, chr3:45,488,766, plus strand): 5'-GTACTAGCTCAGAGGACACCATCTTAGCCCAAACCCTGGGCCTGGCCTACTCTGAAGTCA[T>C]TGAAACTTTGCCAGATGGCACAGAGAGACTGAGCAGCTCTGCTGAGGTTGGTGACTAAGA-3'
Protein context (NP_056155.1, residues 388-408): QTLGLAYSEV[Ile398Thr]ETLPDGTERL